The following is an entry in ClinVar:

ClinVar aggregate classification (germline): Conflicting classifications of pathogenicity. Review status: criteria provided, conflicting classifications (1 of 4 stars). 6 submissions from 6 submitters: Pathogenic (1); Uncertain significance (4). 1 of the submissions does not count toward it. Last evaluated 2026-03-09.

Conditions:
Cardiovascular phenotype. Identifiers: MedGen CN230736.
Hypertrophic cardiomyopathy 1 (CMH1). Also called: Familial hypertrophic cardiomyopathy 1; MYH7-Related Familial Hypertrophic Cardiomyopathy. Identifiers: MedGen C3495498, MONDO:0008647, OMIM 192600.
Hypertrophic cardiomyopathy. Also called: HYPERTROPHIC MYOCARDIOPATHY. Identifiers: Orphanet 217569, MedGen C0007194, MeSH D002312, MONDO:0005045, HP:0001639.

Submissions (6):

Ambry Genetics
Classification: Uncertain significance for Cardiovascular phenotype. Last evaluated: 2026-03-09. Review status: criteria provided, single submitter. Criteria: Ambry Variant Classification Scheme 2023. Collection method: clinical testing. Allele origin: germline.
Comment: The p.M1782V variant (also known as c.5344A>G), located in coding exon 35 of the MYH7 gene, results from an A to G substitution at nucleotide position 5344. The methionine at codon 1782 is replaced by valine, an amino acid with highly similar properties. This variant was reported in individual(s) with features consistent with hypertrophic cardiomyopathy (Alfares AA et al. Genet. Med., 2015 Nov;17:880-8; Homburger JR et al. Proc. Natl. Acad. Sci. U.S.A., 2016 06;113:6701-6; Murphy SL et al. J Cardiovasc Transl Res, 2016 Apr;9:153-61; Walsh R et al. Genet. Med., 2017 Feb;19:192-203; external communication; Ambry internal data). This amino acid position is highly conserved in available vertebrate species. In addition, the in silico prediction for this alteration is inconclusive. Based on the available evidence, the clinical significance of this variant remains unclear.

3billion
Classification: Uncertain significance for Hypertrophic cardiomyopathy 1. Last evaluated: 2026-01-05. Review status: criteria provided, single submitter. Criteria: ACMG Guidelines, 2015. Collection method: clinical testing. Allele origin: germline. Affected: yes.
Comment: The variant is not observed in the gnomAD v4.1.0 dataset. Predicted Consequence/Location: Missense variant In silico tool predictions suggest damaging effect of the variant on gene or gene product [REVEL: 0.65 (>=0.6, sensitivity 0.68 and specificity 0.92); 3Cnet: 1.00 (> 0.75, sensitivity 0.96 and precision 0.92)]. The same nucleotide change resulting in the same amino acid change has been previously reported to be associated with MYH7-related disorder (ClinVar ID: VCV000177892). However, the evidence of pathogenicity is insufficient at this time. A different missense change at the same codon (p.Met1782Ile) has been reported to be associated with MYH7-related disorder (PMID: 38002985). Therefore, this variant is classified as VUS according to the recommendation of ACMG/AMP guideline.

Labcorp Genetics (formerly Invitae), Labcorp
Classification: Pathogenic for Hypertrophic cardiomyopathy. Last evaluated: 2025-11-06. Review status: criteria provided, single submitter. Criteria: Invitae Variant Classification Sherloc (09022015). Collection method: clinical testing. Allele origin: germline.
Comment: This sequence change replaces methionine, which is neutral and non-polar, with valine, which is neutral and non-polar, at codon 1782 of the MYH7 protein (p.Met1782Val). This variant is not present in population databases (gnomAD no frequency). This missense change has been observed in individuals with hypertrophic cardiomyopathy (PMID: 25611685, 26914223, 27247418, 27532257; internal data). ClinVar contains an entry for this variant (Variation ID: 177892). Invitae Evidence Modeling of protein sequence and biophysical properties (such as structural, functional, and spatial information, amino acid conservation, physicochemical variation, residue mobility, and thermodynamic stability) indicates that this missense variant is expected to disrupt MYH7 protein function with a positive predictive value of 95%. For these reasons, this variant has been classified as Pathogenic.

GeneDx
Classification: Uncertain significance. Last evaluated: 2020-10-19. Review status: criteria provided, single submitter. Criteria: GeneDx Variant Classification Process June 2021. Collection method: clinical testing. Allele origin: germline. Affected: yes.
Comment: Reported in ClinVar (ClinVar Variant ID# 177892; Landrum et al., 2016); Not observed in large population cohorts (Lek et al., 2016); In silico analysis supports that this missense variant has a deleterious effect on protein structure/function; This variant is associated with the following publications: (PMID: 26914223, 27247418, 27532257, 25611685, 28606303, 30297972)

Stanford Center for Inherited Cardiovascular Disease, Stanford University
Classification: Uncertain significance. Last evaluated: 2016-09-12. Review status: criteria provided, single submitter. Criteria: ACMG Guidelines, 2015. Collection method: provider interpretation. Allele origin: germline.

Laboratory for Molecular Medicine, Mass General Brigham Personalized Medicine
Classification: Uncertain significance. Last evaluated: 2015-11-13. Review status: no assertion criteria provided. Collection method: clinical testing. Allele origin: germline. Observed: 1 variant allele. Not counted in ClinVar's aggregate classification.
Comment: proposed classification - variant undergoing re-assessment, contact laboratory

Literature cited by the submitters: PubMed 25611685 (cited by Ambry Genetics and Labcorp Genetics (formerly Invitae), Labcorp); PubMed 26914223 (cited by Ambry Genetics and Labcorp Genetics (formerly Invitae), Labcorp); PubMed 27247418 (cited by Ambry Genetics and Labcorp Genetics (formerly Invitae), Labcorp); PubMed 38002985 (cited by 3billion); PubMed 27532257 (cited by Labcorp Genetics (formerly Invitae), Labcorp).

NM_000257.4(MYH7):c.5344A>G (p.Met1782Val)

Gene: MYH7 (myosin heavy chain 7; minus strand). Cytogenetic location: 14q11.2.
Variant type: single nucleotide variant.
Coding change: c.5344A>G on transcript NM_000257.4 (MANE Select); coding-DNA position 5344, A replaced by G.
Protein change: p.Met1782Val; replaces methionine 1782 with valine.
Molecular consequence: missense variant.
Genome position (GRCh38, 1-based): chr14:23,415,210, T>C on the plus strand (A>G on the coding strand, the complement: MYH7 is on the minus strand). VCF-style: chr14-23415210-T-C. GRCh37 (hg19) VCF-style: chr14-23884419-T-C.
Other names: short protein forms M1782V.
Identifiers: ClinVar variation 177892 (VCV000177892.23), dbSNP rs727504385, ClinGen allele CA015994.